The following is an entry in ClinVar:

ClinVar aggregate classification (germline): Uncertain significance (1 of 4 stars; one submission).

Conditions:
Epilepsy, familial focal, with variable foci 3 (FFEVF3). Identifiers: MedGen C4310708, MONDO:0014925, OMIM 617118.

Submission:

Labcorp Genetics (formerly Invitae), Labcorp
Classification: Uncertain significance for Epilepsy, familial focal, with variable foci 3. Last evaluated: 2021-02-17. Review status: criteria provided, single submitter. Criteria: Invitae Variant Classification Sherloc (09022015). Collection method: clinical testing. Allele origin: germline.
Comment: In summary, the available evidence is currently insufficient to determine the role of this variant in disease. Therefore, it has been classified as a Variant of Uncertain Significance. Experimental studies and prediction algorithms are not available or were not evaluated, and the effect of this variant on mRNA splicing is currently unknown. This variant has not been reported in the literature in individuals with NPRL3-related conditions. This variant is not present in population databases (ExAC no frequency). This sequence change replaces arginine with threonine at codon 25 of the NPRL3 protein (p.Arg25Thr). The arginine residue is moderately conserved and there is a moderate physicochemical difference between arginine and threonine.

NM_001077350.3(NPRL3):c.74G>C (p.Arg25Thr)

Genes: HBA-LCR (alpha-globin locus control region; plus strand), NPRL3 (NPR3 like, GATOR1 complex subunit; minus strand). Cytogenetic location: 16p13.3.
Variant type: single nucleotide variant.
Coding change: c.74G>C on transcript NM_001077350.3 (MANE Select); coding-DNA position 74, G replaced by C.
Protein change: p.Arg25Thr; replaces arginine 25 with threonine.
Molecular consequence: missense variant. On other transcripts: 5 prime UTR variant (2).
Genome position (GRCh38, 1-based): chr16:138,194, C>G on the plus strand (G>C on the coding strand, the complement: NPRL3 is on the minus strand). VCF-style: chr16-138194-C-G. GRCh37 (hg19) VCF-style: chr16-188193-C-G.
Other names: c.-259G>C (NM_001039476.3); c.-298G>C (NM_001243247.2); c.74G>C, p.Arg25Thr (NM_001243248.2, NM_001243249.2); short protein forms R25T.
Identifiers: ClinVar variation 1516351 (VCV001516351.6), dbSNP rs1901209994, ClinGen allele CA393999573.